The following is an entry in ClinVar:

NC_000017.10:g.(?_41238856)_(41249326_?)del

Gene: BRCA1 (BRCA1 DNA repair associated; minus strand). Cytogenetic location: 17q21.31.
Variant type: Deletion.
Identifiers: ClinVar variation 3242993 (VCV003242993.1).

ClinVar aggregate classification (germline): Pathogenic (1 of 4 stars; one submission).

Conditions:
Hereditary breast ovarian cancer syndrome. Also called: Hereditary breast and ovarian cancer syndrome; Hereditary breast and ovarian cancer; Hereditary breast and ovarian cancer syndrome (HBOC); Breast and ovarian cancer; Hereditary breast and/or ovarian cancer syndrome; BRCA1- and BRCA2-Associated Hereditary Breast and Ovarian Cancer. Identifiers: Orphanet 145, MedGen C0677776, MeSH D061325, MONDO:0003582. Disease mechanism: loss of function.

Submission:

Labcorp Genetics (formerly Invitae), Labcorp
Classification: Pathogenic for Hereditary breast ovarian cancer syndrome. Last evaluated: 2024-01-23. Review status: criteria provided, single submitter. Criteria: Invitae Variant Classification Sherloc (09022015). Collection method: clinical testing. Allele origin: unknown.
Comment: This variant is a gross deletion of the genomic region encompassing exon(s) 8-11 of the BRCA1 gene. This deletion is out-of-frame, and is expected to create a premature termination codon and result in an absent or disrupted protein product. Loss-of-function variants in BRCA1 are known to be pathogenic (PMID: 20104584). A similar copy number variant has been observed in individual(s) with breast and/or ovarian cancer (PMID: 17646271, 22544547, 24522996, 25236687). This variant is also known as deletion of exons 9-12. For these reasons, this variant has been classified as Pathogenic.

Literature cited by the submitters: PubMed 20104584; PubMed 17646271; PubMed 22544547; PubMed 24522996; PubMed 25236687.